The following is an entry in ClinVar:

NM_031885.5(BBS2):c.1447A>G (p.Met483Val)

Gene: BBS2 (Bardet-Biedl syndrome 2; minus strand). Cytogenetic location: 16q13.
Variant type: single nucleotide variant.
Coding change: c.1447A>G on transcript NM_031885.5 (MANE Select); coding-DNA position 1447, A replaced by G.
Protein change: p.Met483Val; replaces methionine 483 with valine.
Molecular consequence: missense variant. On other transcripts: non-coding transcript variant (5).
Genome position (GRCh38, 1-based): chr16:56,499,858, T>C on the plus strand (A>G on the coding strand, the complement: BBS2 is on the minus strand). VCF-style: chr16-56499858-T-C. GRCh37 (hg19) VCF-style: chr16-56533770-T-C.
Other names: c.1447A>G, p.Met483Val (NM_001377456.1); short protein forms M483V.
Identifiers: ClinVar variation 1695993 (VCV001695993.4), dbSNP rs748721721, ClinGen allele CA8065734.

ClinVar aggregate classification (germline): Uncertain significance. Review status: criteria provided, multiple submitters, no conflicts (2 of 4 stars). 3 submissions from 3 submitters: Uncertain significance (3). Last evaluated 2022-08-26.

Conditions:
Bardet-Biedl syndrome (BBS). Identifiers: Orphanet 110, MedGen C0752166, MONDO:0015229.

Allele frequency attached by ClinVar (database versions not stated): gnomAD exomes below 0.00001; ExAC 0.00001.
gnomAD v4.1: 6 of 1,613,806 alleles (0.00037%); highest among the groups gnomAD compares: South Asian, 0.0022%; no homozygotes.

Submissions (3):

Blueprint Genetics
Classification: Uncertain significance. Last evaluated: 2022-08-26. Review status: criteria provided, single submitter. Criteria: ACMG Guidelines, 2015. Collection method: clinical testing. Allele origin: germline.

Women's Health and Genetics/Laboratory Corporation of America, LabCorp
Classification: Uncertain significance. Last evaluated: 2022-05-03. Review status: criteria provided, single submitter. Criteria: LabCorp Variant Classification Summary - May 2015. Collection method: clinical testing. Allele origin: germline.

Labcorp Genetics (formerly Invitae), Labcorp
Classification: Uncertain significance for Bardet-Biedl syndrome. Last evaluated: 2021-10-14. Review status: criteria provided, single submitter. Criteria: Invitae Variant Classification Sherloc (09022015). Collection method: clinical testing. Allele origin: germline.
Comment: This sequence change replaces methionine with valine at codon 483 of the BBS2 protein (p.Met483Val). The methionine residue is highly conserved and there is a small physicochemical difference between methionine and valine. This variant is present in population databases (rs748721721, ExAC 0.001%). This variant has not been reported in the literature in individuals affected with BBS2-related conditions. Algorithms developed to predict the effect of missense changes on protein structure and function (SIFT, PolyPhen-2, Align-GVGD) all suggest that this variant is likely to be tolerated. In summary, the available evidence is currently insufficient to determine the role of this variant in disease. Therefore, it has been classified as a Variant of Uncertain Significance.